The following is an entry in ClinVar:

NM_001039469.3(MARK2):c.1036dup (p.Leu346fs)

Gene: MARK2 (microtubule affinity regulating kinase 2; plus strand). Cytogenetic location: 11q13.1.
Variant type: Duplication.
Coding change: c.1036dup on transcript NM_001039469.3 (MANE Select); coding-DNA position 1036, one base duplicated (C; older notation c.1036dupC).
Protein change: p.Leu346fs; shifts the reading frame from leucine 346.
Molecular consequence: frameshift variant.
Genome position (GRCh38, 1-based): chr11:63,901,004, C duplicated. VCF-style (leftmost placement, unchanged base first): chr11-63901003-G-GC. GRCh37 (hg19) VCF-style: chr11-63668475-G-GC.
Other names: c.1036dup, p.Leu346fs (NM_001163296.2, NM_001163297.2, NM_004954.5); c.937dup, p.Leu313fs (NM_017490.4); short protein forms L313fs, L346fs.
Identifiers: ClinVar variation 3378099 (VCV003378099.1).

ClinVar aggregate classification (germline): Uncertain significance (1 of 4 stars; one submission).

Submission:

GeneDx
Classification: Uncertain significance. Last evaluated: 2023-11-28. Review status: criteria provided, single submitter. Criteria: GeneDx Variant Classification Process June 2021. Collection method: clinical testing. Allele origin: germline. Affected: yes.
Comment: Not observed at significant frequency in large population cohorts (gnomAD); Frameshift variant predicted to result in protein truncation or nonsense mediated decay in a gene or region of a gene for which loss of function is not a well-established mechanism of disease; Has not been previously published as pathogenic or benign to our knowledge; Variants in candidate genes are classified as variants of uncertain significance in accordance with ACMG guidelines (PMID: 25741868)